The following is an entry in ClinVar:

NM_015295.3(SMCHD1):c.4574A>G (p.Tyr1525Cys)

Gene: SMCHD1 (structural maintenance of chromosomes flexible hinge domain containing 1; plus strand). Cytogenetic location: 18p11.32.
Variant type: single nucleotide variant.
Coding change: c.4574A>G on transcript NM_015295.3 (MANE Select); coding-DNA position 4574, A replaced by G.
Protein change: p.Tyr1525Cys; replaces tyrosine 1525 with cysteine.
Molecular consequence: missense variant.
Genome position (GRCh38, 1-based): chr18:2,763,644, A>G. VCF-style: chr18-2763644-A-G. GRCh37 (hg19) VCF-style: chr18-2763642-A-G.
Other names: short protein forms Y1525C.
Identifiers: ClinVar variation 3369571 (VCV003369571.1).

ClinVar aggregate classification (germline): Uncertain significance (1 of 4 stars; one submission).

gnomAD v4.1: 2 of 1,570,624 alleles (0.00013%); highest among the groups gnomAD compares: Non-Finnish European, 0.000086%; no homozygotes.

Submission:

GeneDx
Classification: Uncertain significance. Last evaluated: 2024-02-26. Review status: criteria provided, single submitter. Criteria: GeneDx Variant Classification Process June 2021. Collection method: clinical testing. Allele origin: germline. Affected: yes.
Comment: Not observed at significant frequency in large population cohorts (gnomAD); In silico analysis supports that this missense variant has a deleterious effect on protein structure/function; Has not been previously published as pathogenic or benign to our knowledge